The following is an entry in ClinVar:

ClinVar aggregate classification (germline): Pathogenic (1 of 4 stars; one submission).

Allele frequency attached by ClinVar (database versions not stated): gnomAD exomes below 0.00001.

Submission:

Labcorp Genetics (formerly Invitae), Labcorp
Classification: Pathogenic. Last evaluated: 2024-09-04. Review status: criteria provided, single submitter. Criteria: Invitae Variant Classification Sherloc (09022015). Collection method: clinical testing. Allele origin: germline.
Comment: This sequence change creates a premature translational stop signal (p.Asn1083Lysfs*9) in the LTBP4 gene. It is expected to result in an absent or disrupted protein product. Loss-of-function variants in LTBP4 are known to be pathogenic (PMID: 19836010, 22829427). This variant is not present in population databases (gnomAD no frequency). This variant has not been reported in the literature in individuals affected with LTBP4-related conditions. For these reasons, this variant has been classified as Pathogenic.

Literature cited by the submitters: PubMed 19836010; PubMed 22829427.

NM_001042545.2(LTBP4):c.3159del (p.Asn1053fs)

Gene: LTBP4 (latent transforming growth factor beta binding protein 4; plus strand). Cytogenetic location: 19q13.2.
Variant type: Deletion.
Coding change: c.3159del on transcript NM_001042545.2 (MANE Select); coding-DNA position 3159, one base deleted (C; older notation c.3159delC).
Protein change: p.Asn1053fs; shifts the reading frame from asparagine 1053.
Molecular consequence: frameshift variant.
Genome position (GRCh38, 1-based): chr19:40,619,435, C deleted. VCF-style (leftmost placement, unchanged base first): chr19-40619434-AC-A. GRCh37 (hg19) VCF-style: chr19-41125339-AC-A.
Other names: c.3360del, p.Asn1120fs (NM_001042544.1); c.3249del, p.Asn1083fs (NM_003573.2); short protein forms N1053fs, N1120fs, N1083fs.
Identifiers: ClinVar variation 3004450 (VCV003004450.3), dbSNP rs2471215714, ClinGen allele CA2585161562.